The following is an entry in ClinVar:

NM_005006.7(NDUFS1):c.1029T>G (p.Gly343=)

Gene: NDUFS1 (NADH:ubiquinone oxidoreductase core subunit S1; minus strand). Cytogenetic location: 2q33.3.
Variant type: single nucleotide variant.
Coding change: c.1029T>G on transcript NM_005006.7 (MANE Select); coding-DNA position 1029, T replaced by G.
Protein change: p.Gly343=; no amino-acid change (glycine 343 retained).
Molecular consequence: synonymous variant.
Genome position (GRCh38, 1-based): chr2:206,142,790, A>C on the plus strand (T>G on the coding strand, the complement: NDUFS1 is on the minus strand). VCF-style: chr2-206142790-A-C. GRCh37 (hg19) VCF-style: chr2-207007514-A-C.
Other names: p.G343G:GGT>GGG; c.921T>G, p.Gly307= (NM_001199981.2); c.696T>G, p.Gly232= (NM_001199982.2); c.858T>G, p.Gly286= (NM_001199983.2); c.1071T>G, p.Gly357= (NM_001199984.2).
Identifiers: ClinVar variation 138477 (VCV000138477.37), dbSNP rs72944827, ClinGen allele CA292486.

ClinVar aggregate classification (germline): Benign/Likely benign. Review status: criteria provided, multiple submitters, no conflicts (2 of 4 stars). 6 submissions from 6 submitters: Benign (1); Likely benign (4). 1 of the submissions does not count toward it. Last evaluated 2025-07-14.

Allele frequency attached by ClinVar (database versions not stated): ExAC 0.00015; gnomAD exomes 0.00017 and 0.00020; gnomAD 0.00021; TOPMed 0.00022; 1000 Genomes Project 30x 0.00047; 1000 Genomes Project 0.02037.
gnomAD v4.1: 285 of 1,614,226 alleles (0.018%); highest among the groups gnomAD compares: Admixed American, 0.027%; no homozygotes.

Submissions (6):

Labcorp Genetics (formerly Invitae), Labcorp
Classification: Likely benign. Last evaluated: 2025-07-14. Review status: criteria provided, single submitter. Criteria: Invitae Variant Classification Sherloc (09022015). Collection method: clinical testing. Allele origin: germline.

Blueprint Genetics
Classification: Likely benign. Last evaluated: 2024-11-11. Review status: criteria provided, single submitter. Criteria: ACMG Guidelines, 2015. Collection method: clinical testing. Allele origin: germline.

CeGaT Center for Human Genetics Tuebingen
Classification: Likely benign. Last evaluated: 2023-11-01. Review status: criteria provided, single submitter. Criteria: CeGaT Center For Human Genetics Tuebingen Variant Classification Criteria Version 2. Collection method: clinical testing. Allele origin: germline. Affected: yes. Observed: 1 variant allele.
Comment: NDUFS1: BP4, BP7

GeneDx
Classification: Benign. Last evaluated: 2013-01-16. Review status: criteria provided, single submitter. Criteria: GeneDx Variant Classification (06012015). Collection method: clinical testing. Allele origin: germline. Affected: yes.
Comment: This variant is considered likely benign or benign based on one or more of the following criteria: it is a conservative change, it occurs at a poorly conserved position in the protein, it is predicted to be benign by multiple in silico algorithms, and/or has population frequency not consistent with disease.

Breakthrough Genomics
Classification: Likely benign. Review status: criteria provided, single submitter. Criteria: ACMG Guidelines, 2015. Collection method: not provided. Allele origin: germline. Inheritance: Autosomal recessive inheritance. Affected: yes.

Mayo Clinic Laboratories, Mayo Clinic
Classification: Likely benign. Last evaluated: 2016-03-15. Review status: no assertion criteria provided. Collection method: clinical testing. Allele origin: unknown. Not counted in ClinVar's aggregate classification.